The following is an entry in ClinVar:

ClinVar aggregate classification (germline): Uncertain significance (1 of 4 stars; one submission).

Submission:

GeneDx
Classification: Uncertain significance. Last evaluated: 2024-04-22. Review status: criteria provided, single submitter. Criteria: GeneDx Variant Classification Process June 2021. Collection method: clinical testing. Allele origin: germline. Affected: yes.
Comment: Not observed at significant frequency in large population cohorts (gnomAD); In silico analysis supports that this missense variant has a deleterious effect on protein structure/function; Has not been previously published as pathogenic or benign to our knowledge

NM_023110.3(FGFR1):c.1021T>C (p.Cys341Arg)

Gene: FGFR1 (fibroblast growth factor receptor 1; minus strand). Cytogenetic location: 8p11.23.
Variant type: single nucleotide variant.
Coding change: c.1021T>C on transcript NM_023110.3 (MANE Select); coding-DNA position 1021, T replaced by C.
Protein change: p.Cys341Arg; replaces cysteine 341 with arginine.
Molecular consequence: missense variant.
Genome position (GRCh38, 1-based): chr8:38,421,857, A>G on the plus strand (T>C on the coding strand, the complement: FGFR1 is on the minus strand). VCF-style: chr8-38421857-A-G. GRCh37 (hg19) VCF-style: chr8-38279375-A-G.
Other names: c.1021T>C, p.Cys341Arg (NM_001174063.2); c.997T>C, p.Cys333Arg (NM_001174064.2); c.1015T>C, p.Cys339Arg (NM_001174065.2, NM_001354367.2, NM_001354369.2 and 2 more transcripts); c.754T>C, p.Cys252Arg (NM_001174066.2, NM_023105.3); c.1114T>C, p.Cys372Arg (NM_001174067.2); c.748T>C, p.Cys250Arg (NM_001354368.2, NM_001354370.2, NM_023106.3); short protein forms C250R, C252R, C333R, C339R, C341R, C372R.
Identifiers: ClinVar variation 3372849 (VCV003372849.1).